The following is an entry in ClinVar:

NM_000246.4(CIITA):c.2135T>C (p.Leu712Pro)

Gene: CIITA (class II major histocompatibility complex transactivator; plus strand). Cytogenetic location: 16p13.13.
Variant type: single nucleotide variant.
Coding change: c.2135T>C on transcript NM_000246.4 (MANE Select); coding-DNA position 2135, T replaced by C.
Protein change: p.Leu712Pro; replaces leucine 712 with proline.
Molecular consequence: missense variant. On other transcripts: intron variant (1).
Genome position (GRCh38, 1-based): chr16:10,907,627, T>C. VCF-style: chr16-10907627-T-C. GRCh37 (hg19) VCF-style: chr16-11001484-T-C.
Other names: c.2138T>C, p.Leu713Pro (NM_001286402.1, NM_001379332.1); c.1991T>C, p.Leu664Pro (NM_001379330.1); c.1988T>C, p.Leu663Pro (NM_001379331.1); c.2135T>C, p.Leu712Pro (NM_001379333.1); c.2066T>C, p.Leu689Pro (NM_001379334.1); c.860-1356T>C (NM_001286403.2); short protein forms L712P, L713P, L663P, L664P, L689P.
Identifiers: ClinVar variation 835935 (VCV000835935.8), dbSNP rs1271532108, ClinGen allele CA394732457.
Genomic context (GRCh38, chr16:10,907,627, plus strand): 5'-AAGGCTTAGTCCAACACCCACCGCGGGCCGCAGAGTCCGAGCTGGCCTTCCCCAGCTTCC[T>C]CCTGCAATGCTTCCTGGGGGCCCTGTGGCTGGCTCTGAGTGGCGAAATCAAGGACAAGGA-3'
Protein context (NP_000237.2, residues 702-722): AESELAFPSF[Leu712Pro]LQCFLGALWL

ClinVar aggregate classification (germline): Uncertain significance. Review status: criteria provided, multiple submitters, no conflicts (2 of 4 stars). 3 submissions from 3 submitters: Uncertain significance (2). 1 of the submissions does not count toward it. Last evaluated 2022-07-19.

Conditions:
Inborn genetic diseases. Identifiers: MedGen C0950123, MeSH D030342.
MHC class II deficiency. Also called: BLS, TYPE II; Bare lymphocyte syndrome 2. Identifiers: Orphanet 572, MedGen C5447452, MONDO:0008855.

Allele frequency attached by ClinVar (database versions not stated): gnomAD exomes below 0.00001; gnomAD 0.00001; TOPMed 0.00001.
gnomAD v4.1: 4 of 1,614,100 alleles (0.00025%); highest among the groups gnomAD compares: East Asian, 0.0067%; no homozygotes.

Submissions (3):

Labcorp Genetics (formerly Invitae), Labcorp
Classification: Uncertain significance for MHC class II deficiency. Last evaluated: 2022-07-19. Review status: criteria provided, single submitter. Criteria: Invitae Variant Classification Sherloc (09022015). Collection method: clinical testing. Allele origin: germline.
Comment: This sequence change replaces leucine, which is neutral and non-polar, with proline, which is neutral and non-polar, at codon 712 of the CIITA protein (p.Leu712Pro). This variant is present in population databases (no rsID available, gnomAD 0.06%). This variant has not been reported in the literature in individuals affected with CIITA-related conditions. ClinVar contains an entry for this variant (Variation ID: 835935). Algorithms developed to predict the effect of missense changes on protein structure and function output the following: SIFT: "Deleterious"; PolyPhen-2: "Benign"; Align-GVGD: "Class C15". The proline amino acid residue is found in multiple mammalian species, which suggests that this missense change does not adversely affect protein function. In summary, the available evidence is currently insufficient to determine the role of this variant in disease. Therefore, it has been classified as a Variant of Uncertain Significance.

Ambry Genetics
Classification: Uncertain significance for Inborn genetic diseases. Last evaluated: 2021-08-02. Review status: criteria provided, single submitter. Criteria: Ambry Variant Classification Scheme 2023. Collection method: clinical testing. Allele origin: germline.

Natera, Inc.
Classification: Uncertain significance for Bare lymphocyte syndrome type II. Last evaluated: 2020-09-03. Review status: no assertion criteria provided. Collection method: clinical testing. Allele origin: germline. Not counted in ClinVar's aggregate classification.